The following is an entry in ClinVar:

ClinVar aggregate classification (germline): Uncertain significance (1 of 4 stars; one submission).

Conditions:
Freeman-Sheldon syndrome (DA2A). Also called: CRANIOCARPOTARSAL DYSPLASIA; CRANIOCARPOTARSAL DYSTROPHY; WHISTLING FACE-WINDMILL VANE HAND SYNDROME; Arthrogryposis, distal, type 2A (Freeman-Sheldon). Identifiers: Orphanet 2053, MedGen C0265224, MONDO:0008675, OMIM 193700.

Submission:

Pittsburgh Clinical Genomics Laboratory, University of Pittsburgh Medical Center
Classification: Uncertain significance for Freeman-Sheldon syndrome. Last evaluated: 2023-07-26. Review status: criteria provided, single submitter. Criteria: ACMG Guidelines, 2015. Collection method: clinical testing. Allele origin: germline. Inheritance: Autosomal unknown. Affected: yes.
Comment: This sequence variant is a single nucleotide substitution (G>A) at position 1393 of the coding sequence of the MYH3 gene that results in a glycine to serine amino acid change at residue 465 of the myosin heavy chain 3 protein. The 465 residue falls in the myosin motor domain (UniProt). This variant is absent from ClinVar and the gnomAD population database (0 of approximately 250,000 alleles). Multiple bioinformatic tools predict that this glycine to serine amino acid change would be damaging, and the glycine residue at this position is highly conserved across the vertebrate species examined. Studies examining the functiol consequence of this variant have not been published, to our knowledge. At this time, there is insufficient evidence to determine if this variant is pathogenic or benign. Therefore, we consider this a variant of uncertain significance. ACMG Criteria: PM2, PP3

NM_002470.4(MYH3):c.1393G>A (p.Gly465Ser)

Gene: MYH3 (myosin heavy chain 3; minus strand). Cytogenetic location: 17p13.1.
Variant type: single nucleotide variant.
Coding change: c.1393G>A on transcript NM_002470.4 (MANE Select); coding-DNA position 1393, G replaced by A.
Protein change: p.Gly465Ser; replaces glycine 465 with serine.
Molecular consequence: missense variant.
Genome position (GRCh38, 1-based): chr17:10,644,368, C>T on the plus strand (G>A on the coding strand, the complement: MYH3 is on the minus strand). VCF-style: chr17-10644368-C-T. GRCh37 (hg19) VCF-style: chr17-10547685-C-T.
Other names: short protein forms G465S.
Identifiers: ClinVar variation 3376301 (VCV003376301.1).